The following is an entry in ClinVar:

NM_001005337.3(PKP1):c.1336T>C (p.Cys446Arg)

Gene: PKP1 (plakophilin 1; plus strand). Cytogenetic location: 1q32.1.
Variant type: single nucleotide variant.
Coding change: c.1336T>C on transcript NM_001005337.3 (MANE Select); coding-DNA position 1336, T replaced by C.
Protein change: p.Cys446Arg; replaces cysteine 446 with arginine.
Molecular consequence: missense variant.
Genome position (GRCh38, 1-based): chr1:201,320,370, T>C. VCF-style: chr1-201320370-T-C. GRCh37 (hg19) VCF-style: chr1-201289498-T-C.
Other names: c.1399T>C, p.Cys467Arg (NM_000299.4); short protein forms C467R, C446R.
Identifiers: ClinVar variation 294822 (VCV000294822.42), dbSNP rs78672252, ClinGen allele CA1324414.

ClinVar aggregate classification (germline): Likely benign. Review status: criteria provided, multiple submitters, no conflicts (2 of 4 stars). 7 submissions from 7 submitters: Likely benign (6). 1 of the submissions does not count toward it. Last evaluated 2026-08-01.

Conditions:
PKP1-related disorder. Also called: PKP1-related condition.
Epidermolysis bullosa simplex due to plakophilin deficiency. Also called: MCGRATH SYNDROME. Identifiers: Orphanet 158668, MedGen C1858302, MONDO:0011472, OMIM 604536.

Allele frequency attached by ClinVar (database versions not stated): 1000 Genomes Project 0.00260; 1000 Genomes Project 30x 0.00265; ExAC 0.00328; gnomAD exomes 0.00352 and 0.00611; gnomAD 0.00376 and 0.00380; TOPMed 0.00390; ESP Exome Variant Server 0.00415.
gnomAD v4.1: 9,428 of 1,611,054 alleles (0.59%); highest among the groups gnomAD compares: Non-Finnish European, 0.72%; 32 homozygotes.

Submissions (7):

CeGaT Center for Human Genetics Tuebingen
Classification: Likely benign. Last evaluated: 2026-08-01. Review status: criteria provided, single submitter. Criteria: CeGaT Center For Human Genetics Tuebingen Variant Classification Criteria Version 2. Collection method: clinical testing. Allele origin: germline. Affected: yes. Observed: 3 variant alleles.
Comment: PKP1: BS2

Labcorp Genetics (formerly Invitae), Labcorp
Classification: Likely benign. Last evaluated: 2026-01-15. Review status: criteria provided, single submitter. Criteria: Invitae Variant Classification Sherloc (09022015). Collection method: clinical testing. Allele origin: germline.

Blueprint Genetics
Classification: Likely benign. Last evaluated: 2024-11-26. Review status: criteria provided, single submitter. Criteria: ACMG Guidelines, 2015. Collection method: clinical testing. Allele origin: germline.

Fulgent Genetics
Classification: Likely benign for Epidermolysis bullosa simplex due to plakophilin deficiency. Last evaluated: 2021-09-13. Review status: criteria provided, single submitter. Criteria: ACMG Guidelines, 2015. Collection method: clinical testing. Allele origin: unknown.

Illumina Laboratory Services, Illumina
Classification: Likely benign for Epidermolysis bullosa simplex due to plakophilin deficiency. Last evaluated: 2018-01-12. Review status: criteria provided, single submitter. Criteria: ICSL Variant Classification Criteria 13 December 2019. Collection method: clinical testing. Allele origin: germline.
Comment: This variant was observed in the ICSL laboratory as part of a predisposition screen in an ostensibly healthy population. It had not been previously curated by ICSL or reported in the Human Gene Mutation Database (HGMD: prior to June 1st, 2018), and was therefore a candidate for classification through an automated scoring system. Utilizing variant allele frequency, disease prevalence and penetrance estimates, and inheritance mode, an automated score was calculated to assess if this variant is too frequent to cause the disease. Based on the score and internal cut-off values, a variant classified as likely benign is not then subjected to further curation. The score for this variant resulted in a classification of likely benign for this disease.

Breakthrough Genomics
Classification: Likely benign. Review status: criteria provided, single submitter. Criteria: ACMG Guidelines, 2015. Collection method: not provided. Allele origin: germline. Inheritance: Autosomal recessive inheritance. Affected: yes.

PreventionGenetics, part of Exact Sciences
Classification: Likely benign for PKP1-related condition. Last evaluated: 2019-03-26. Review status: no assertion criteria provided. Collection method: clinical testing. Allele origin: germline. Not counted in ClinVar's aggregate classification.
Comment: This variant is classified as likely benign based on ACMG/AMP sequence variant interpretation guidelines (Richards et al. 2015 PMID: 25741868, with internal and published modifications).